The following is an entry in ClinVar:

NC_000019.9:g.(?_11101816)_(11152246_?)del

Gene: SMARCA4 (SWI/SNF related BAF chromatin remodeling complex subunit ATPase 4; plus strand). Cytogenetic location: 19p13.2.
Variant type: Deletion.
Identifiers: ClinVar variation 1072689 (VCV001072689.5).

ClinVar aggregate classification (germline): Pathogenic (1 of 4 stars; one submission).

Conditions:
Rhabdoid tumor predisposition syndrome 2 (RTPS2). Identifiers: Orphanet 231108, Orphanet 69077, MedGen C2750074, MONDO:0013224, OMIM 613325.

Submission:

Labcorp Genetics (formerly Invitae), Labcorp
Classification: Pathogenic for Rhabdoid tumor predisposition syndrome 2. Last evaluated: 2020-09-09. Review status: criteria provided, single submitter. Criteria: Invitae Variant Classification Sherloc (09022015). Collection method: clinical testing. Allele origin: germline.
Comment: This variant is an out-of-frame deletion of the genomic region encompassing exons 8-31 of the SMARCA4 gene. This is expected to create a premature translational stop signal and result in an absent or disrupted protein product. This variant has not been reported in the literature in individuals with SMARCA4-related conditions. Loss-of-function variants in SMARCA4 are known to be pathogenic (PMID: 24658001, 24658002). For these reasons, this variant has been classified as Pathogenic.

Literature cited by the submitters: PubMed 24658001; PubMed 24658002.